The following is an entry in ClinVar:

NM_020937.4(FANCM):c.461G>C (p.Cys154Ser)

Gene: FANCM (FA complementation group M; plus strand). Cytogenetic location: 14q21.2.
Variant type: single nucleotide variant.
Coding change: c.461G>C on transcript NM_020937.4 (MANE Select); coding-DNA position 461, G replaced by C.
Protein change: p.Cys154Ser; replaces cysteine 154 with serine.
Molecular consequence: missense variant.
Genome position (GRCh38, 1-based): chr14:45,136,492, G>C. VCF-style: chr14-45136492-G-C. GRCh37 (hg19) VCF-style: chr14-45605695-G-C.
Other names: c.461G>C, p.Cys154Ser (NM_001308133.2, NM_001308134.2); short protein forms C154S.
Identifiers: ClinVar variation 408220 (VCV000408220.13), dbSNP rs766755069, ClinGen allele CA7168766.
Genomic context (GRCh38, chr14:45,136,492, plus strand): 5'-CAGGAAAGGTGGTCTTCATGGCCCCAACGAAACCCTTGGTGACACAGCAGATCGAGGCTT[G>C]CTACCAGGTGATGGGTATCCCGCAATCCCACATGGCCGAAATGACAGGTATCTTAGACTG-3'
Protein context (NP_065988.1, residues 144-164): KPLVTQQIEA[Cys154Ser]YQVMGIPQSH

ClinVar aggregate classification (germline): Uncertain significance. Review status: criteria provided, multiple submitters, no conflicts (2 of 4 stars). 2 submissions from 2 submitters: Uncertain significance (2). Last evaluated 2025-06-20.

Conditions:
Fanconi anemia (FA). Also called: Fanconi's anemia. Identifiers: Orphanet 84, MedGen C0015625, MeSH D005199, MONDO:0019391.

Allele frequency attached by ClinVar (database versions not stated): TOPMed 0.00002; ExAC 0.00003; gnomAD 0.00003; gnomAD exomes 0.00003.
gnomAD v4.1: 47 of 1,614,026 alleles (0.0029%); highest among the groups gnomAD compares: Non-Finnish European, 0.0039%; no homozygotes.

Submissions (2):

GeneDx
Classification: Uncertain significance. Last evaluated: 2025-06-20. Review status: criteria provided, single submitter. Criteria: GeneDx Variant Classification Process June 2021. Collection method: clinical testing. Allele origin: germline. Affected: yes.
Comment: Not observed at significant frequency in large population cohorts (gnomAD); In silico analysis supports that this missense variant has a deleterious effect on protein structure/function; Not observed in any cases, but was observed in an unaffected control from a melanoma study (PMID: 29641532); This variant is associated with the following publications: (PMID: 29641532)

Labcorp Genetics (formerly Invitae), Labcorp
Classification: Uncertain significance for Fanconi anemia. Last evaluated: 2024-04-29. Review status: criteria provided, single submitter. Criteria: Invitae Variant Classification Sherloc (09022015). Collection method: clinical testing. Allele origin: germline.
Comment: This sequence change replaces cysteine, which is neutral and slightly polar, with serine, which is neutral and polar, at codon 154 of the FANCM protein (p.Cys154Ser). This variant is present in population databases (rs766755069, gnomAD 0.006%). This variant has not been reported in the literature in individuals affected with FANCM-related conditions. ClinVar contains an entry for this variant (Variation ID: 408220). An algorithm developed to predict the effect of missense changes on protein structure and function (PolyPhen-2) suggests that this variant is likely to be disruptive. In summary, the available evidence is currently insufficient to determine the role of this variant in disease. Therefore, it has been classified as a Variant of Uncertain Significance.